The following is an entry in ClinVar:

ClinVar aggregate classification (germline): Conflicting classifications of pathogenicity. Review status: criteria provided, conflicting classifications (1 of 4 stars). 2 submissions from 2 submitters: Uncertain significance (1); Likely benign (1). Last evaluated 2024-12-24.

Allele frequency attached by ClinVar (database versions not stated): gnomAD exomes 0.00002 and 0.00003; gnomAD 0.00003 and 0.00004; TOPMed 0.00003.
gnomAD v4.1: 53 of 1,612,338 alleles (0.0033%); highest among the groups gnomAD compares: African/African-American, 0.004%; no homozygotes.

Submissions (2):

Labcorp Genetics (formerly Invitae), Labcorp
Classification: Uncertain significance. Last evaluated: 2024-12-24. Review status: criteria provided, single submitter. Criteria: Invitae Variant Classification Sherloc (09022015). Collection method: clinical testing. Allele origin: germline.
Comment: This sequence change replaces asparagine, which is neutral and polar, with serine, which is neutral and polar, at codon 3427 of the HMCN1 protein (p.Asn3427Ser). This variant is present in population databases (no rsID available, gnomAD 0.004%). This variant has not been reported in the literature in individuals affected with HMCN1-related conditions. ClinVar contains an entry for this variant (Variation ID: 1447803). An algorithm developed to predict the effect of missense changes on protein structure and function outputs the following: PolyPhen-2: "Benign". The serine amino acid residue is found in multiple mammalian species, which suggests that this missense change does not adversely affect protein function. In summary, the available evidence is currently insufficient to determine the role of this variant in disease. Therefore, it has been classified as a Variant of Uncertain Significance.

Ambry Genetics
Classification: Likely benign. Last evaluated: 2021-08-02. Review status: criteria provided, single submitter. Criteria: Ambry Variant Classification Scheme 2023. Collection method: clinical testing. Allele origin: germline.

NM_031935.3(HMCN1):c.10280A>G (p.Asn3427Ser)

Gene: HMCN1 (hemicentin 1; plus strand). Cytogenetic location: 1q31.1.
Variant type: single nucleotide variant.
Coding change: c.10280A>G on transcript NM_031935.3 (MANE Select); coding-DNA position 10280, A replaced by G.
Protein change: p.Asn3427Ser; replaces asparagine 3427 with serine.
Molecular consequence: missense variant.
Genome position (GRCh38, 1-based): chr1:186,094,359, A>G. VCF-style: chr1-186094359-A-G. GRCh37 (hg19) VCF-style: chr1-186063491-A-G.
Other names: c.10280A>G (NM_031935.2); short protein forms N3427S.
Identifiers: ClinVar variation 1447803 (VCV001447803.7), dbSNP rs903500513, ClinGen allele CA33485955.
Genomic context (GRCh38, chr1:186,094,359, plus strand): 5'-ATGTCGCTGTGTATACTTGTGTGGCCTCCAACAGAGCTGGGGTGGATAATAAGCATTACA[A>G]TCTTCAAGTGTTTGGTATGTGTCACAGAAATGACCCTATTACTTTGCTATGTCAAGTATT-3'
Protein context (NP_114141.2, residues 3417-3437): NRAGVDNKHY[Asn3427Ser]LQVFAPPNMD